The following is an entry in ClinVar:

ClinVar aggregate classification (germline): Benign. Review status: criteria provided, multiple submitters, no conflicts (2 of 4 stars). 2 submissions from 2 submitters: Benign (2). Last evaluated 2022-09-01.

Conditions:
Sick sinus syndrome 2, autosomal dominant (SSS2). Also called: ATRIAL FIBRILLATION WITH BRADYARRHYTHMIA; SINUS BRADYCARDIA SYNDROME, FAMILIAL, AUTOSOMAL DOMINANT; SINUS NODE DISEASE, FAMILIAL, AUTOSOMAL DOMINANT; SICK SINUS SYNDROME 2; SICK SINUS SYNDROME 2 WITH OR WITHOUT CARDIAC NONCOMPACTION AND/OR ASCENDING AORTA DILATION. Identifiers: Orphanet 166282, MedGen C1834144, MONDO:0008102, OMIM 163800.

Allele frequency attached by ClinVar (database versions not stated): 1000 Genomes Project 30x 0.00031; 1000 Genomes Project 0.00040; gnomAD 0.00076 and 0.00083; TOPMed 0.00087.

Submissions (2):

CeGaT Center for Human Genetics Tuebingen
Classification: Benign. Last evaluated: 2022-09-01. Review status: criteria provided, single submitter. Criteria: CeGaT Center For Human Genetics Tuebingen Variant Classification Criteria Version 2. Collection method: clinical testing. Allele origin: germline. Affected: yes. Observed: 2 variant alleles.
Comment: HCN4: BS1, BS2

Illumina Laboratory Services, Illumina
Classification: Benign for Sick sinus syndrome 2, autosomal dominant. Last evaluated: 2018-01-13. Review status: criteria provided, single submitter. Criteria: ICSL Variant Classification Criteria 13 December 2019. Collection method: clinical testing. Allele origin: germline.
Comment: This variant was observed in the ICSL laboratory as part of a predisposition screen in an ostensibly healthy population. It had not been previously curated by ICSL or reported in the Human Gene Mutation Database (HGMD: prior to June 1st, 2018), and was therefore a candidate for classification through an automated scoring system. Utilizing variant allele frequency, disease prevalence and penetrance estimates, and inheritance mode, an automated score was calculated to assess if this variant is too frequent to cause the disease. Based on the score and internal cut-off values, a variant classified as benign is not then subjected to further curation. The score for this variant resulted in a classification of benign for this disease.

NM_005477.3(HCN4):c.*2581C>T

Gene: HCN4 (hyperpolarization activated cyclic nucleotide gated potassium channel 4; minus strand). Cytogenetic location: 15q24.1.
Variant type: single nucleotide variant.
Coding change: c.*2581C>T on transcript NM_005477.3 (MANE Select); 2581 bases downstream of the stop codon, C replaced by T.
Molecular consequence: 3 prime UTR variant.
Genome position (GRCh38, 1-based): chr15:73,319,900, G>A on the plus strand (C>T on the coding strand, the complement: HCN4 is on the minus strand). VCF-style: chr15-73319900-G-A. GRCh37 (hg19) VCF-style: chr15-73612241-G-A.
Identifiers: ClinVar variation 885565 (VCV000885565.28), dbSNP rs535089156, ClinGen allele CA272661417.